The following is an entry in ClinVar:

ClinVar aggregate classification (germline): Conflicting classifications of pathogenicity. Review status: criteria provided, conflicting classifications (1 of 4 stars). 2 submissions from 2 submitters: Uncertain significance (1); Likely benign (1). Last evaluated 2025-11-09.

Conditions:
Hyperaldosteronism, familial, type IV (HALD4). Also called: FH IV; ALDOSTERONISM, PRIMARY, AND HYPERTENSION. Identifiers: Orphanet 642671, MedGen C4310756, MONDO:0014875, OMIM 617027.
Idiopathic generalized epilepsy. Also called: EIG; Generalised epilepsy. Identifiers: MedGen C0270850, MONDO:0005579, OMIM 600669.

Allele frequency attached by ClinVar (database versions not stated): gnomAD 0.00001 and 0.00002; gnomAD exomes 0.00003 and 0.00011; TOPMed 0.00004; ExAC 0.00010; 1000 Genomes Project 30x 0.00016; 1000 Genomes Project 0.00020.

Submissions (2):

Labcorp Genetics (formerly Invitae), Labcorp
Classification: Likely benign for Idiopathic generalized epilepsy; Hyperaldosteronism, familial, type IV. Last evaluated: 2025-11-09. Review status: criteria provided, single submitter. Criteria: Invitae Variant Classification Sherloc (09022015). Collection method: clinical testing. Allele origin: germline.

GeneDx
Classification: Uncertain significance. Last evaluated: 2019-06-20. Review status: criteria provided, single submitter. Criteria: GeneDx Variant Classification Process June 2021. Collection method: clinical testing. Allele origin: germline. Affected: yes.
Comment: In silico analysis, which includes protein predictors and evolutionary conservation, supports a deleterious effect; This variant is associated with the following publications: (PMID: 17156077, 32561571)

NM_021098.3(CACNA1H):c.829C>T (p.Pro277Ser)

Gene: CACNA1H (calcium voltage-gated channel subunit alpha1 H; plus strand). Cytogenetic location: 16p13.3.
Variant type: single nucleotide variant.
Coding change: c.829C>T on transcript NM_021098.3 (MANE Select); coding-DNA position 829, C replaced by T.
Protein change: p.Pro277Ser; replaces proline 277 with serine.
Molecular consequence: missense variant.
Genome position (GRCh38, 1-based): chr16:1,200,281, C>T. VCF-style: chr16-1200281-C-T. GRCh37 (hg19) VCF-style: chr16-1250281-C-T.
Other names: c.829C>T, p.Pro277Ser (NM_001005407.2); short protein forms P277S.
Identifiers: ClinVar variation 382211 (VCV000382211.13), dbSNP rs201911360, ClinGen allele CA7799679.